The following is an entry in ClinVar:

NM_000392.5(ABCC2):c.3147C>T (p.Phe1049=)

Gene: ABCC2 (ATP binding cassette subfamily C member 2; plus strand). Cytogenetic location: 10q24.2.
Variant type: single nucleotide variant.
Coding change: c.3147C>T on transcript NM_000392.5 (MANE Select); coding-DNA position 3147, C replaced by T.
Protein change: p.Phe1049=; no amino-acid change (phenylalanine 1049 retained).
Molecular consequence: synonymous variant.
Genome position (GRCh38, 1-based): chr10:99,832,020, C>T. VCF-style: chr10-99832020-C-T. GRCh37 (hg19) VCF-style: chr10-101591777-C-T.
Identifiers: ClinVar variation 738115 (VCV000738115.12), dbSNP rs777983705, ClinGen allele CA5643703.

ClinVar aggregate classification (germline): Conflicting classifications of pathogenicity. Review status: criteria provided, conflicting classifications (1 of 4 stars). 3 submissions from 3 submitters: Uncertain significance (1); Likely benign (1). 1 of the submissions does not count toward it. Last evaluated 2024-03-13.

Conditions:
ABCC2-related disorder. Also called: ABCC2-related condition.
Dubin-Johnson syndrome (DJS). Also called: Hyperbilirubinemia type 2; HYPERBILIRUBINEMIA, DUBIN-JOHNSON TYPE; Jaundice, Chronic Idiopathic. Identifiers: Orphanet 234, MedGen C0022350, MONDO:0009380, OMIM 237500.

Allele frequency attached by ClinVar (database versions not stated): ExAC 0.00002; gnomAD exomes 0.00002 and 0.00007; TOPMed 0.00004; gnomAD 0.00006.
gnomAD v4.1: 111 of 1,614,070 alleles (0.0069%); highest among the groups gnomAD compares: Non-Finnish European, 0.0091%; no homozygotes.

Submissions (3):

Labcorp Genetics (formerly Invitae), Labcorp
Classification: Likely benign. Last evaluated: 2024-03-13. Review status: criteria provided, single submitter. Criteria: Invitae Variant Classification Sherloc (09022015). Collection method: clinical testing. Allele origin: germline.

Illumina Laboratory Services, Illumina
Classification: Uncertain significance for Dubin-Johnson syndrome. Last evaluated: 2018-01-12. Review status: criteria provided, single submitter. Criteria: ICSL Variant Classification Criteria 13 December 2019. Collection method: clinical testing. Allele origin: germline.

PreventionGenetics, part of Exact Sciences
Classification: Likely benign for ABCC2-related condition. Last evaluated: 2019-07-24. Review status: no assertion criteria provided. Collection method: clinical testing. Allele origin: germline. Not counted in ClinVar's aggregate classification.
Comment: This variant is classified as likely benign based on ACMG/AMP sequence variant interpretation guidelines (Richards et al. 2015 PMID: 25741868, with internal and published modifications).